The following is an entry in ClinVar:

ClinVar aggregate classification (germline): Uncertain significance. Review status: criteria provided, multiple submitters, no conflicts (2 of 4 stars). 3 submissions from 3 submitters: Uncertain significance (3). Last evaluated 2025-12-23.

Conditions:
Immunodeficiency 60. Also called: IMMUNODEFICIENCY AND AUTOIMMUNITY, BACH2-RELATED; IMMUNODEFICIENCY 60 AND AUTOIMMUNITY. Identifiers: MedGen C5193072, MONDO:0032723, OMIM 618394.

Allele frequency attached by ClinVar (database versions not stated): gnomAD exomes 0.00009 and 0.00010; ExAC 0.00010; TOPMed 0.00011; gnomAD 0.00014.
gnomAD v4.1: 175 of 1,614,076 alleles (0.011%); highest among the groups gnomAD compares: Non-Finnish European, 0.013%; no homozygotes.

Submissions (3):

Labcorp Genetics (formerly Invitae), Labcorp
Classification: Uncertain significance. Last evaluated: 2025-12-23. Review status: criteria provided, single submitter. Criteria: Invitae Variant Classification Sherloc (09022015). Collection method: clinical testing. Allele origin: germline.
Comment: This sequence change replaces proline, which is neutral and non-polar, with leucine, which is neutral and non-polar, at codon 152 of the BACH2 protein (p.Pro152Leu). This variant is present in population databases (rs200976634, gnomAD 0.05%), and has an allele count higher than expected for a pathogenic variant. This variant has not been reported in the literature in individuals affected with BACH2-related conditions. ClinVar contains an entry for this variant (Variation ID: 1675107). Invitae Evidence Modeling of protein sequence and biophysical properties (such as structural, functional, and spatial information, amino acid conservation, physicochemical variation, residue mobility, and thermodynamic stability) indicates that this missense variant is not expected to disrupt BACH2 protein function with a negative predictive value of 80%. In summary, the available evidence is currently insufficient to determine the role of this variant in disease. Therefore, it has been classified as a Variant of Uncertain Significance.

Ambry Genetics
Classification: Uncertain significance. Last evaluated: 2025-08-22. Review status: criteria provided, single submitter. Criteria: Ambry Variant Classification Scheme 2023. Collection method: clinical testing. Allele origin: germline.

Center for Genomics, Ann and Robert H. Lurie Children's Hospital of Chicago
Classification: Uncertain significance for Immunodeficiency 60. Last evaluated: 2021-12-21. Review status: criteria provided, single submitter. Criteria: ACMG Guidelines, 2015. Collection method: clinical testing. Allele origin: germline.
Comment: BACH2 NM_021813.3 exon 7 p.Pro152Leu (c.455C>T): This variant has not been reported in the literature but is present in 0.02% (20/68032) of European alleles in the Genome Aggregation Database. Evolutionary conservation and computational predictive tools suggest that this variant may not impact the protein. In summary, data on this variant is insufficient for disease classification. Therefore, the clinical significance of this variant is uncertain.

NM_021813.4(BACH2):c.455C>T (p.Pro152Leu)

Gene: BACH2 (BACH transcriptional regulator 2; minus strand). Cytogenetic location: 6q15.
Variant type: single nucleotide variant.
Coding change: c.455C>T on transcript NM_021813.4 (MANE Select); coding-DNA position 455, C replaced by T.
Protein change: p.Pro152Leu; replaces proline 152 with leucine.
Molecular consequence: missense variant.
Genome position (GRCh38, 1-based): chr6:89,951,651, G>A on the plus strand (C>T on the coding strand, the complement: BACH2 is on the minus strand). VCF-style: chr6-89951651-G-A. GRCh37 (hg19) VCF-style: chr6-90661370-G-A.
Other names: c.455C>T, p.Pro152Leu (NM_001170794.2); c.455C>T (NM_021813.2); short protein forms P152L.
Identifiers: ClinVar variation 1675107 (VCV001675107.7), dbSNP rs200976634, ClinGen allele CA3928166.
Genomic context (GRCh38, chr6:89,951,651, plus strand): 5'-TCCATCGTCTCCTCCTCTTCATCCTCCTCCTCTCCTGCAGAGTTCTCGCAGTCCTCGTGT[G>A]GGCGCTGGCACGCAGCATCCTTCCGGCACACAAACAGGCCATCCTCACTGTTCAGGAGCT-3'
Protein context (NP_068585.1, residues 142-162): VCRKDAACQR[Pro152Leu]HEDCENSAGE